The following is an entry in ClinVar:

NM_002691.4(POLD1):c.506_547del (p.Asn169_Leu182del)

Gene: POLD1 (DNA polymerase delta 1, catalytic subunit; plus strand). Cytogenetic location: 19q13.33.
Variant type: Deletion.
Coding change: c.506_547del on transcript NM_002691.4 (MANE Select); coding-DNA positions 506 to 547, 42 bases deleted.
Protein change: p.Asn169_Leu182del.
Molecular consequence: inframe deletion. On other transcripts: non-coding transcript variant (1).
Genome position (GRCh38, 1-based): chr19:50,402,041-50,402,082, 42 bases deleted; deleting any 42 consecutive bases within chr19:50,402,032-50,402,082 gives the same sequence; the c. name uses the placement nearest the transcript's 3' end. GRCh37 (hg19): chr19:50,905,298-50,905,339.
Other names: c.506_547del, p.Asn169_Leu182del (NM_001256849.1, NM_001308632.1).
Identifiers: ClinVar variation 1061408 (VCV001061408.9), dbSNP rs2122238036, ClinGen allele CA2499225557.

ClinVar aggregate classification (germline): Uncertain significance (1 of 4 stars; one submission).

Conditions:
POLD1-related polyposis and colorectal cancer syndrome (CRCS10). Also called: Colorectal cancer, susceptibility to, 10; Colorectal cancer 10; COLORECTAL CANCER, SUSCEPTIBILITY TO, ON CHROMOSOME 19q. Identifiers: Orphanet 220460, MedGen C2675481, MONDO:0012953, OMIM 612591.

Submission:

Labcorp Genetics (formerly Invitae), Labcorp
Classification: Uncertain significance for POLD1-related polyposis and colorectal cancer syndrome. Last evaluated: 2025-12-07. Review status: criteria provided, single submitter. Criteria: Invitae Variant Classification Sherloc (09022015). Collection method: clinical testing. Allele origin: germline.
Comment: This variant, c.506_547del, results in the deletion of 14 amino acid(s) of the POLD1 protein (p.Asn169_Leu182del), but otherwise preserves the integrity of the reading frame. This variant is not present in population databases (gnomAD no frequency). This variant has not been reported in the literature in individuals affected with POLD1-related conditions. ClinVar contains an entry for this variant (Variation ID: 1061408). Experimental studies and prediction algorithms are not available or were not evaluated, and the functional significance of this variant is currently unknown. In summary, the available evidence is currently insufficient to determine the role of this variant in disease. Therefore, it has been classified as a Variant of Uncertain Significance.